The following is an entry in ClinVar:

NM_002691.4(POLD1):c.649_666dup (p.Pro217_Pro222dup)

Gene: POLD1 (DNA polymerase delta 1, catalytic subunit; plus strand). Cytogenetic location: 19q13.33.
Variant type: Duplication.
Coding change: c.649_666dup on transcript NM_002691.4 (MANE Select); coding-DNA positions 649 to 666, 18 bases duplicated (CCGCGCCTCGTGGCCCCG).
Protein change: p.Pro217_Pro222dup.
Molecular consequence: inframe insertion. On other transcripts: non-coding transcript variant (1).
Genome position (GRCh38, 1-based): chr19:50,402,264-50,402,281, CCGCGCCTCGTGGCCCCG duplicated; duplicating any 18 consecutive bases within chr19:50,402,263-50,402,281 gives the same sequence; the c. name uses the placement nearest the transcript's 3' end. VCF-style (leftmost placement, unchanged base first): chr19-50402262-T-TGCCGCGCCTCGTGGCCCC. GRCh37 (hg19) VCF-style: chr19-50905519-T-TGCCGCGCCTCGTGGCCCC.
Other names: c.649_666dup, p.Pro217_Pro222dup (NM_001256849.1, NM_001308632.1).
Identifiers: ClinVar variation 408060 (VCV000408060.16), dbSNP rs1064792946, ClinGen allele CA16616349.

ClinVar aggregate classification (germline): Uncertain significance. Review status: criteria provided, multiple submitters, no conflicts (2 of 4 stars). 2 submissions from 2 submitters: Uncertain significance (2). Last evaluated 2026-08-18.

Conditions:
Hereditary cancer-predisposing syndrome. Also called: Neoplastic Syndromes, Hereditary; Hereditary Cancer Syndrome; Tumor predisposition; Hereditary neoplastic syndrome. Identifiers: Orphanet 140162, MedGen C0027672, MeSH D009386, MONDO:0015356.
POLD1-related polyposis and colorectal cancer syndrome (CRCS10). Also called: Colorectal cancer 10; COLORECTAL CANCER, SUSCEPTIBILITY TO, ON CHROMOSOME 19q; Colorectal cancer, susceptibility to, 10. Identifiers: Orphanet 220460, MedGen C2675481, MONDO:0012953, OMIM 612591.

Submissions (2):

Ambry Genetics
Classification: Uncertain significance for Hereditary cancer-predisposing syndrome. Last evaluated: 2026-08-18. Review status: criteria provided, single submitter. Criteria: Ambry Variant Classification Scheme 2023. Collection method: clinical testing. Allele origin: germline.
Comment: The c.649_666dup18 variant (also known as p.P217_P222dup), located in coding exon 5 of the POLD1 gene, results from an in-frame duplication of 18 nucleotides at nucleotide positions 649 to 666. This results in the duplication of 6 extra residues (PRLVAP) between codons 217 and 222. This amino acid region is well conserved in available vertebrate species. Based on the available evidence, the clinical significance of this variant remains unclear.

Labcorp Genetics (formerly Invitae), Labcorp
Classification: Uncertain significance for POLD1-related polyposis and colorectal cancer syndrome. Last evaluated: 2025-03-26. Review status: criteria provided, single submitter. Criteria: Invitae Variant Classification Sherloc (09022015). Collection method: clinical testing. Allele origin: germline.
Comment: This variant, c.649_666dup, results in the insertion of 6 amino acid(s) of the POLD1 protein (p.Pro217_Pro222dup), but otherwise preserves the integrity of the reading frame. This variant is not present in population databases (gnomAD no frequency). This variant has not been reported in the literature in individuals affected with POLD1-related conditions. ClinVar contains an entry for this variant (Variation ID: 408060). Experimental studies and prediction algorithms are not available or were not evaluated, and the functional significance of this variant is currently unknown. In summary, the available evidence is currently insufficient to determine the role of this variant in disease. Therefore, it has been classified as a Variant of Uncertain Significance.